The following is an entry in ClinVar:

NM_001122681.2(SH3BP2):c.*3974G>T

Gene: SH3BP2 (SH3 domain binding protein 2; plus strand). Cytogenetic location: 4p16.3.
Variant type: single nucleotide variant.
Coding change: c.*3974G>T on transcript NM_001122681.2 (MANE Select); 3974 bases downstream of the stop codon, G replaced by T.
Molecular consequence: 3 prime UTR variant.
Genome position (GRCh38, 1-based): chr4:2,837,808, G>T. VCF-style: chr4-2837808-G-T. GRCh37 (hg19) VCF-style: chr4-2839535-G-T.
Other names: c.*3974G>T (LRG_1334t2, LRG_1334t1, NM_001145855.2 and 2 more transcripts).
Identifiers: ClinVar variation 348668 (VCV000348668.6), dbSNP rs80306465, ClinGen allele CA10620960.
Genomic context (GRCh38, chr4:2,837,808, plus strand): 5'-CCCCTGCCTTATCTCTGCCTGCACGCCCTGTTCCCTCCACCTAGACTGCCTGCTGAGGGG[G>T]CAGTGCCAGGAGGTTGCCTGTCCTTGGGGAAGAGGGGCAGTGACCCTGTGAAGATGCTTG-3'

ClinVar aggregate classification (germline): Benign. Review status: criteria provided, multiple submitters, no conflicts (2 of 4 stars). 2 submissions from 2 submitters: Benign (2). Last evaluated 2018-01-13.

Conditions:
Fibrous dysplasia of jaw (CRBM). Also called: Cherubism. Identifiers: Orphanet 184, MedGen C0008029, MONDO:0007315, OMIM 118400.

Allele frequency attached by ClinVar (database versions not stated): gnomAD 0.04309 and 0.04029; 1000 Genomes Project 0.04373; TOPMed 0.04621; 1000 Genomes Project 30x 0.04653; gnomAD exomes 0.00400.
gnomAD v4.1: 6,092 of 152,532 alleles (4%); highest among the groups gnomAD compares: African/African-American, 13%; 414 homozygotes.

Submissions (2):

Illumina Laboratory Services, Illumina
Classification: Benign for Fibrous dysplasia of jaw. Last evaluated: 2018-01-13. Review status: criteria provided, single submitter. Criteria: ICSL Variant Classification Criteria 13 December 2019. Collection method: clinical testing. Allele origin: germline.
Comment: This variant was observed in the ICSL laboratory as part of a predisposition screen in an ostensibly healthy population. It had not been previously curated by ICSL or reported in the Human Gene Mutation Database (HGMD: prior to June 1st, 2018), and was therefore a candidate for classification through an automated scoring system. Utilizing variant allele frequency, disease prevalence and penetrance estimates, and inheritance mode, an automated score was calculated to assess if this variant is too frequent to cause the disease. Based on the score and internal cut-off values, a variant classified as benign is not then subjected to further curation. The score for this variant resulted in a classification of benign for this disease.

Breakthrough Genomics
Classification: Benign. Review status: criteria provided, single submitter. Criteria: ACMG Guidelines, 2015. Collection method: not provided. Allele origin: germline. Inheritance: Autosomal dominant inheritance. Affected: yes.